The following is an entry in ClinVar:

NM_000173.7(GP1BA):c.1853G>A (p.Arg618His)

Genes: GP1BA (glycoprotein Ib platelet subunit alpha; plus strand), LOC130060044 (ATAC-STARR-seq lymphoblastoid active region 11554; plus strand). Cytogenetic location: 17p13.2.
Variant type: single nucleotide variant.
Coding change: c.1853G>A on transcript NM_000173.7 (MANE Select); coding-DNA position 1853, G replaced by A.
Protein change: p.Arg618His; replaces arginine 618 with histidine.
Molecular consequence: missense variant.
Genome position (GRCh38, 1-based): chr17:4,934,457, G>A. VCF-style: chr17-4934457-G-A. GRCh37 (hg19) VCF-style: chr17-4837752-G-A.
Other names: short protein forms R618H.
Identifiers: ClinVar variation 2628938 (VCV002628938.1), dbSNP rs764128079, ClinGen allele CA8315092.

ClinVar aggregate classification (germline): Uncertain significance (1 of 4 stars; one submission).

Conditions:
GP1BA-related disorder. Also called: GP1BA-related condition.

Allele frequency attached by ClinVar (database versions not stated): gnomAD 0.00001; ExAC 0.00002.

Submission:

PreventionGenetics, part of Exact Sciences
Classification: Uncertain significance for GP1BA-related condition. Last evaluated: 2022-10-05. Review status: criteria provided, single submitter. Criteria: ACMG Guidelines, 2015. Collection method: clinical testing. Allele origin: germline.
Comment: The GP1BA c.1853G>A variant is predicted to result in the amino acid substitution p.Arg618His. To our knowledge, this variant has not been reported in the literature. This variant is reported in 0.0065% of alleles in individuals of South Asian descent in gnomAD. At this time, the clinical significance of this variant is uncertain due to the absence of conclusive functional and genetic evidence.